The following is an entry in ClinVar:

ClinVar aggregate classification (germline): Uncertain significance (1 of 4 stars; one submission).

gnomAD v4.1: 8 of 1,614,032 alleles (0.0005%); highest among the groups gnomAD compares: Non-Finnish European, 0.00059%; no homozygotes.

Submission:

Labcorp Genetics (formerly Invitae), Labcorp
Classification: Uncertain significance. Last evaluated: 2025-05-02. Review status: criteria provided, single submitter. Criteria: Invitae Variant Classification Sherloc (09022015). Collection method: clinical testing. Allele origin: germline.
Comment: This sequence change replaces phenylalanine, which is neutral and non-polar, with leucine, which is neutral and non-polar, at codon 493 of the HYOU1 protein (p.Phe493Leu). This variant is present in population databases (no rsID available, gnomAD 0.0009%). This variant has not been reported in the literature in individuals affected with HYOU1-related conditions. An algorithm developed to predict the effect of missense changes on protein structure and function (PolyPhen-2) suggests that this variant is likely to be disruptive. In summary, the available evidence is currently insufficient to determine the role of this variant in disease. Therefore, it has been classified as a Variant of Uncertain Significance.

NM_006389.5(HYOU1):c.1479C>A (p.Phe493Leu)

Gene: HYOU1 (hypoxia up-regulated 1; minus strand). Cytogenetic location: 11q23.3.
Variant type: single nucleotide variant.
Coding change: c.1479C>A on transcript NM_006389.5 (MANE Select); coding-DNA position 1479, C replaced by A.
Protein change: p.Phe493Leu; replaces phenylalanine 493 with leucine.
Molecular consequence: missense variant.
Genome position (GRCh38, 1-based): chr11:119,051,485, G>T on the plus strand (C>A on the coding strand, the complement: HYOU1 is on the minus strand). VCF-style: chr11-119051485-G-T. GRCh37 (hg19) VCF-style: chr11-118922197-G-T.
Other names: c.1479C>A, p.Phe493Leu (NM_001130991.3, NM_001411041.1); short protein forms F493L.
Identifiers: ClinVar variation 4767654 (VCV004767654.1).
Genomic context (GRCh38, chr11:119,051,485, plus strand): 5'-CCCTGCCCCTCACCGAAGATCTTCAGGCCCCAGGAAGCCCAGGTCGCCGTAGTTGATGTG[G>T]AAGTTGAAATCATGGCTGTAGCGGTTAAAGGTGATGACTTTGCGTTGAGGGTAGGGCCCC-3'
Protein context (NP_006380.1, residues 483-503): TFNRYSHDFN[Phe493Leu]HINYGDLGFL